The following is an entry in ClinVar:

NM_001846.4(COL4A2):c.4039+1G>A

Genes: COL4A2 (collagen type IV alpha 2 chain; plus strand), COL4A2-AS1 (COL4A2 antisense RNA 1; minus strand). Cytogenetic location: 13q34.
Variant type: single nucleotide variant.
Coding change: c.4039+1G>A on transcript NM_001846.4 (MANE Select); the canonical splice donor site of the intron after coding-DNA position 4039, G replaced by A.
Molecular consequence: splice donor variant.
Genome position (GRCh38, 1-based): chr13:110,503,283, G>A. VCF-style: chr13-110503283-G-A. GRCh37 (hg19) VCF-style: chr13-111155630-G-A.
Identifiers: ClinVar variation 432147 (VCV000432147.2), dbSNP rs1555333502, ClinGen allele CA388736416.

ClinVar aggregate classification (germline): Likely pathogenic (1 of 4 stars; one submission).

Submission:

GeneDx
Classification: Likely pathogenic. Last evaluated: 2016-04-21. Review status: criteria provided, single submitter. Criteria: GeneDx Variant Classification (06012015). Collection method: clinical testing. Allele origin: germline. Affected: yes.
Comment: The c.4039+1G>A variant in the COL4A2 gene has not been reported previously as a pathogenic variant nor as a benign variant, to our knowledge. This splice site variant destroys the canonical splice donor site in intron 42. It is predicted to cause abnormal gene splicing, either leading to an abnormal message that is subject to nonsense-mediated mRNA decay, or to an abnormal protein product if the message is used for protein translation. The c.4039+1G>A variant was not observed in approximately 6000 individuals of European and African American ancestry in the NHLBI Exome Sequencing Project, indicating it is not a common benign variant in these populations. However, the vast majority of pathogenic variants reported in COL4A2 in the Human Gene Mutation database (HGMD) are missense variants (Stenson et al., 2014), therefore the pathogenicity of this and other truncating variants has not been completely established. We interpret c.4039+1G>A as a likely pathogenic variant